The following is an entry in ClinVar:

NM_004614.5(TK2):c.376-119C>A

Gene: TK2 (thymidine kinase 2; minus strand). Cytogenetic location: 16q21.
Variant type: single nucleotide variant.
Coding change: c.376-119C>A on transcript NM_004614.5 (MANE Select); 119 bases into the intron before coding-DNA position 376, C replaced by A.
Molecular consequence: intron variant.
Genome position (GRCh38, 1-based): chr16:66,529,186, G>T on the plus strand (C>A on the coding strand, the complement: TK2 is on the minus strand). VCF-style: chr16-66529186-G-T. GRCh37 (hg19) VCF-style: chr16-66563089-G-T.
Other names: NC_000016.9:g.66563089G>T; c.283-119C>A (NM_001271935.1, NM_001172643.1); c.301-119C>A (NM_001172644.2); c.322-119C>A (NM_001172645.2); c.229-119C>A (NM_001271934.2); c.85-119C>A (NM_001272050.2).
Identifiers: ClinVar variation 676455 (VCV000676455.3), dbSNP rs117991260, ClinGen allele CA15877353.

ClinVar aggregate classification (germline): Likely benign. Review status: criteria provided, multiple submitters, no conflicts (2 of 4 stars). 2 submissions from 2 submitters: Likely benign (2). Last evaluated 2018-06-16.

Allele frequency attached by ClinVar (database versions not stated): 1000 Genomes Project 0.00779; TOPMed 0.01263; 1000 Genomes Project 30x 0.00843.
gnomAD v4.1: 14,589 of 946,750 alleles (1.5%); highest among the groups gnomAD compares: Middle Eastern, 1.8%; 165 homozygotes.

Submissions (7):

GeneDx
Classification: Likely benign. Last evaluated: 2018-06-16. Review status: criteria provided, single submitter. Criteria: GeneDx Variant Classification (06012015). Collection method: clinical testing. Allele origin: germline. Affected: yes.
Comment: This variant is considered likely benign or benign based on one or more of the following criteria: it is a conservative change, it occurs at a poorly conserved position in the protein, it is predicted to be benign by multiple in silico algorithms, and/or has population frequency not consistent with disease.

Breakthrough Genomics
Classification: Likely benign. Review status: criteria provided, single submitter. Criteria: ACMG Guidelines, 2015. Collection method: not provided. Allele origin: germline. Inheritance: Autosomal recessive inheritance. Affected: yes.

Dr. Peter K. Rogan Lab, Western University
No classification provided (evidence only). Condition: Uterine corpus endometrial carcinoma. Review status: no classification provided. Collection method: in vitro. Allele origin: not applicable. Functional consequence: retained intron. Not counted in ClinVar's aggregate classification.

Dr. Peter K. Rogan Lab, Western University
No classification provided (evidence only). Condition: Uterine corpus endometrial carcinoma. Review status: no classification provided. Collection method: in vitro. Allele origin: not applicable. Functional consequence: retained intron. Not counted in ClinVar's aggregate classification.

Dr. Peter K. Rogan Lab, Western University
No classification provided (evidence only). Condition: Sarcoma. Review status: no classification provided. Collection method: in vitro. Allele origin: not applicable. Functional consequence: skipped exon. Not counted in ClinVar's aggregate classification.

Dr. Peter K. Rogan Lab, Western University
No classification provided (evidence only). Condition: Sarcoma. Review status: no classification provided. Collection method: in vitro. Allele origin: not applicable. Functional consequence: retained intron. Not counted in ClinVar's aggregate classification.

Dr. Peter K. Rogan Lab, Western University
No classification provided (evidence only). Condition: Ovarian serous cystadenocarcinoma. Review status: no classification provided. Collection method: in vitro. Allele origin: not applicable. Functional consequence: retained intron. Not counted in ClinVar's aggregate classification.